The following is an entry in ClinVar:

ClinVar aggregate classification (germline): Uncertain significance (1 of 4 stars; one submission).

Conditions:
Inflammatory bowel disease 25. Also called: Inflammatory bowel disease 25, early onset, autosomal recessive. Identifiers: Orphanet 238569, MedGen C2675508, MONDO:0012941, OMIM 612567.

Submission:

Labcorp Genetics (formerly Invitae), Labcorp
Classification: Uncertain significance for Inflammatory bowel disease 25. Last evaluated: 2019-05-11. Review status: criteria provided, single submitter. Criteria: Invitae Variant Classification Sherloc (09022015). Collection method: clinical testing. Allele origin: germline.
Comment: Nucleotide substitutions within the consensus splice site are a relatively common cause of aberrant splicing (PMID: 17576681, 9536098). Algorithms developed to predict the effect of sequence changes on RNA splicing suggest that this variant may disrupt the consensus splice site, but this prediction has not been confirmed by published transcriptional studies. In summary, the available evidence is currently insufficient to determine the role of this variant in disease. Therefore, it has been classified as a Variant of Uncertain Significance. This variant has not been reported in the literature in individuals with IL10RB-related conditions. This variant is not present in population databases (ExAC no frequency). This sequence change falls in intron 5 of the IL10RB gene. It does not directly change the encoded amino acid sequence of the IL10RB protein, but it affects a nucleotide within the consensus splice site of the intron.

Literature cited by the submitters: PubMed 17576681; PubMed 9536098.

NM_000628.5(IL10RB):c.647-3C>T

Genes: IFNAR2-IL10RB (IFNAR2-IL10RB readthrough; plus strand), IL10RB (interleukin 10 receptor subunit beta; plus strand). Cytogenetic location: 21q22.11.
Variant type: single nucleotide variant.
Coding change: c.647-3C>T on transcript NM_000628.5 (MANE Select); 3 bases into the intron before coding-DNA position 647, C replaced by T.
Molecular consequence: intron variant.
Genome position (GRCh38, 1-based): chr21:33,288,101, C>T. VCF-style: chr21-33288101-C-T. GRCh37 (hg19) VCF-style: chr21-34660406-C-T.
Identifiers: ClinVar variation 862421 (VCV000862421.10), dbSNP rs1989409135, ClinGen allele CA916081237.
Genomic context (GRCh38, chr21:33,288,101, plus strand): 5'-GCTCTTGGGATCACTGTGACCCGACCTGTGACAAGAATGTAACATGCCCATTACCCCTGG[C>T]AGAAACGGTCCCCTCCTGGATGGTGGCCGTCATCCTCATGGCCTCGGTCTTCATGGTCTG-3'